The following is an entry in ClinVar:

NM_031229.4(RBCK1):c.1209+2_1209+3insA

Gene: RBCK1 (RANBP2-type and C3HC4-type zinc finger containing 1; plus strand). Cytogenetic location: 20p13.
Variant type: Insertion.
Coding change: c.1209+2_1209+3insA on transcript NM_031229.4 (MANE Select); the canonical splice donor site of the intron after coding-DNA position 1209 through 3 bases into the intron after coding-DNA position 1209, A inserted.
Molecular consequence: intron variant.
Genome position: GRCh38 VCF-style: chr20-427494-T-TA. GRCh37 (hg19) VCF-style: chr20-408138-T-TA.
Other names: c.699+2_699+3insA (NM_001323956.2, NM_001323958.2); c.1083+2_1083+3insA (NM_006462.6).
Identifiers: ClinVar variation 649108 (VCV000649108.6), dbSNP rs774461310, ClinGen allele CA9723285.
Genomic context (GRCh38, chr20:427,494, plus strand): 5'-ATGATGTCAATGAGTTCACCTGCCCTGTGTGTTTCCACGTCAACTGCCTGCTCTGCAAGG[T>TA]GGGGCCTGCAGGGACTCCCCCCACCTAGTCACTGTCATCTTGCCTGGAGCTCACCACACT-3'

ClinVar aggregate classification (germline): Uncertain significance (1 of 4 stars; one submission).

Conditions:
Polyglucosan body myopathy type 1 (PGBM1). Also called: Polyglucosan body myopathy 1 with or without immunodeficiency; POLYGLUCOSAN BODY MYOPATHY WITHOUT IMMUNODEFICIENCY. Identifiers: Orphanet 329173, Orphanet 397937, MedGen C4014605, MONDO:0014389, OMIM 615895.

Allele frequency attached by ClinVar (database versions not stated): gnomAD 0.00001 and 0.00003; ExAC 0.00002; TOPMed 0.00002; gnomAD exomes 0.00003 and 0.00006; ESP Exome Variant Server 0.00008.

Submission:

Labcorp Genetics (formerly Invitae), Labcorp
Classification: Uncertain significance for Polyglucosan body myopathy type 1. Last evaluated: 2022-08-22. Review status: criteria provided, single submitter. Criteria: Invitae Variant Classification Sherloc (09022015). Collection method: clinical testing. Allele origin: germline.
Comment: This sequence change falls in intron 9 of the RBCK1 gene. It does not directly change the encoded amino acid sequence of the RBCK1 protein. It affects a nucleotide within the consensus splice site. This variant is present in population databases (rs774461310, gnomAD 0.005%). This variant has not been reported in the literature in individuals affected with RBCK1-related conditions. ClinVar contains an entry for this variant (Variation ID: 649108). Variants that disrupt the consensus splice site are a relatively common cause of aberrant splicing (PMID: 17576681, 9536098). Algorithms developed to predict the effect of sequence changes on RNA splicing suggest that this variant may create or strengthen a splice site. In summary, the available evidence is currently insufficient to determine the role of this variant in disease. Therefore, it has been classified as a Variant of Uncertain Significance.

Literature cited by the submitters: PubMed 17576681; PubMed 9536098.